The following is an entry in ClinVar:

NM_004415.4(DSP):c.5991G>A (p.Gly1997=)

Gene: DSP (desmoplakin; plus strand). Cytogenetic location: 6p24.3.
Variant type: single nucleotide variant.
Coding change: c.5991G>A on transcript NM_004415.4 (MANE Select); coding-DNA position 5991, G replaced by A.
Protein change: p.Gly1997=; no amino-acid change (glycine 1997 retained).
Molecular consequence: synonymous variant.
Genome position (GRCh38, 1-based): chr6:7,583,253, G>A. VCF-style: chr6-7583253-G-A. GRCh37 (hg19) VCF-style: chr6-7583486-G-A.
Other names: p.Gly1997=; c.4194G>A, p.Gly1398= (NM_001008844.3); c.4662G>A, p.Gly1554= (NM_001319034.2); c.5991G>A (NM_004415.3, LRG_423t1).
Identifiers: ClinVar variation 264254 (VCV000264254.21), dbSNP rs538244495, ClinGen allele CA046563.
Genomic context (GRCh38, chr6:7,583,253, plus strand): 5'-AATGCAGCTCTATGAGTGTCAGCTGATCGACAAAACAACCTTGGACAAACTATTGAAGGG[G>A]AAGAAGTCAGTGGAAGAAGTTGCTTCTGAAATCCAGCCATTCCTTCGGGGTGCAGGATCT-3'
Protein context (NP_004406.2, residues 1987-2007): DKTTLDKLLK[Gly1997=]KKSVEEVASE

ClinVar aggregate classification (germline): Likely benign. Review status: criteria provided, multiple submitters, no conflicts (2 of 4 stars). 6 submissions from 6 submitters: Likely benign (6). Last evaluated 2026-01-24.

Conditions:
DSP-related disorder. Also called: DSP-related condition; DSP-related disorders.
Cardiovascular phenotype. Identifiers: MedGen CN230736.
Arrhythmogenic right ventricular dysplasia 8 (ARVD8). Also called: ARRHYTHMOGENIC RIGHT VENTRICULAR CARDIOMYOPATHY 8; ARRHYTHMOGENIC RIGHT VENTRICULAR DYSPLASIA, FAMILIAL, 8; Arrhythmogenic Right Ventricular Dysplasia/Cardiomyopathy 8. Identifiers: MedGen C1843896, MONDO:0011831, OMIM 607450.
Arrhythmogenic cardiomyopathy with wooly hair and keratoderma. Also called: Dilated cardiomyopathy with woolly hair and keratoderma; PALMOPLANTAR KERATODERMA WITH LEFT VENTRICULAR CARDIOMYOPATHY AND WOOLLY HAIR; Arrhythmogenic cardiomyopathy with woolly hair and keratoderma; Carvajal syndrome. Identifiers: Orphanet 65282, MedGen C1854063, MONDO:0011581, OMIM 605676.
Cardiomyopathy (CMYO). Also called: Cardiomyopathies. Identifiers: Orphanet 167848, MedGen C0878544, MONDO:0004994, HP:0001638. Inheritance: Various modes of inheritance.

Allele frequency attached by ClinVar (database versions not stated): gnomAD exomes 0.00002 and 0.00006; ExAC 0.00004; 1000 Genomes Project 30x 0.00016; 1000 Genomes Project 0.00020; gnomAD 0.00027 and 0.00029; TOPMed 0.00029.

Submissions (6):

Labcorp Genetics (formerly Invitae), Labcorp
Classification: Likely benign for Arrhythmogenic cardiomyopathy with wooly hair and keratoderma; Arrhythmogenic right ventricular dysplasia 8. Last evaluated: 2026-01-24. Review status: criteria provided, single submitter. Criteria: Invitae Variant Classification Sherloc (09022015). Collection method: clinical testing. Allele origin: germline.

Mayo Clinic Laboratories, Mayo Clinic
Classification: Likely benign. Last evaluated: 2025-11-16. Review status: criteria provided, single submitter. Criteria: ACMG Guidelines, 2015. Collection method: clinical testing. Allele origin: germline. Observed: 1 variant allele.
Comment: BP4, BP7

PreventionGenetics, part of Exact Sciences
Classification: Likely benign for DSP-related condition. Last evaluated: 2025-06-02. Review status: criteria provided, single submitter. Criteria: ACMG Guidelines, 2015. Collection method: clinical testing. Allele origin: germline.
Comment: This variant is classified as likely benign based on ACMG/AMP sequence variant interpretation guidelines (Richards et al. 2015 PMID: 25741868, with internal and published modifications).

Women's Health and Genetics/Laboratory Corporation of America, LabCorp
Classification: Likely benign. Last evaluated: 2024-12-06. Review status: criteria provided, single submitter. Criteria: LabCorp Variant Classification Summary - May 2015. Collection method: clinical testing. Allele origin: germline.

Color Diagnostics, LLC DBA Color Health
Classification: Likely benign for Cardiomyopathy. Last evaluated: 2019-01-20. Review status: criteria provided, single submitter. Criteria: ACMG Guidelines, 2015. Collection method: clinical testing. Allele origin: germline.

Ambry Genetics
Classification: Likely benign for Cardiovascular phenotype. Last evaluated: 2015-07-14. Review status: criteria provided, single submitter. Criteria: Ambry Variant Classification Scheme 2023. Collection method: clinical testing. Allele origin: germline.